The following is an entry in ClinVar:

NM_005609.4(PYGM):c.247A>T (p.Ile83Phe)

Gene: PYGM (glycogen phosphorylase, muscle associated; minus strand). Cytogenetic location: 11q13.1.
Variant type: single nucleotide variant.
Coding change: c.247A>T on transcript NM_005609.4 (MANE Select); coding-DNA position 247, A replaced by T.
Protein change: p.Ile83Phe; replaces isoleucine 83 with phenylalanine.
Molecular consequence: missense variant. On other transcripts: intron variant (1).
Genome position (GRCh38, 1-based): chr11:64,758,701, T>A on the plus strand (A>T on the coding strand, the complement: PYGM is on the minus strand). VCF-style: chr11-64758701-T-A. GRCh37 (hg19) VCF-style: chr11-64526173-T-A.
Other names: c.244-435A>T (NM_001164716.1); c.247A>T (NM_005609.3); short protein forms I83F.
Identifiers: ClinVar variation 2435327 (VCV002435327.7), dbSNP rs761616685, ClinGen allele CA6080320.

ClinVar aggregate classification (germline): Conflicting classifications of pathogenicity. Review status: criteria provided, conflicting classifications (1 of 4 stars). 4 submissions from 4 submitters: Likely pathogenic (2); Uncertain significance (2). Last evaluated 2025-12-05.

Conditions:
Glycogen storage disease, type V (GSD5). Also called: MCARDLE DISEASE; MUSCLE GLYCOGEN PHOSPHORYLASE DEFICIENCY; MYOPHOSPHORYLASE DEFICIENCY; PYGM DEFICIENCY; McArdle type glycogen storage disease. Identifiers: Orphanet 368, MedGen C0017924, MONDO:0009293, OMIM 232600.

Allele frequency attached by ClinVar (database versions not stated): TOPMed below 0.00001; gnomAD 0.00001; ExAC 0.00002; gnomAD exomes 0.00002.
gnomAD v4.1: 13 of 1,602,032 alleles (0.00081%); highest among the groups gnomAD compares: Non-Finnish European, 0.0011%; no homozygotes.

Submissions (4):

Myriad Genetics, Inc.
Classification: Uncertain significance for Glycogen storage disease, type V. Last evaluated: 2025-12-05. Review status: criteria provided, single submitter. Criteria: Myriad Autosomal Dominant, Autosomal Recessive and X-Linked Classification Criteria (2023). Collection method: clinical testing. Allele origin: unknown.
Comment: NM_005609.2(PYGM):c.247A>T(I83F) is a missense variant classified as a variant of uncertain significance in the context of glycogen storage disease, PYGM-related. I83F has been observed in cases with relevant disease (PMID: 29143597, 17221871). Relevant functional assessments of this variant are not available in the literature. I83F has been observed in referenced population frequency databases. In summary, there is insufficient evidence to classify NM_005609.2(PYGM):c.247A>T(I83F) as pathogenic or benign. Please note: this variant was assessed in the context of healthy population screening.

Natera, Inc.
Classification: Likely pathogenic for Glycogen storage disease V. Last evaluated: 2025-07-23. Review status: criteria provided, single submitter. Criteria: Natera Variant Classification Schema (03/2026). Collection method: clinical testing. Allele origin: germline.
Comment: The c.247A>T variant in PYGM is a missense variant predicted to cause substitution of isoleucine to phenylalanine at amino acid 83. This variant is rare in the general population with a frequency below the threshold expected for the associated phenotype(s). This variant has been observed in one or more individuals affected with the associated recessive disease, as either homozygous or compound heterozygous with a second variant (PMID: 17221871, 29143597). Computational prediction algorithms indicate this variant is likely to affect gene or protein function. Given the available evidence, this variant is classified as Likely Pathogenic.

Baylor Genetics
Classification: Likely pathogenic for Glycogen storage disease, type V. Last evaluated: 2024-02-01. Review status: criteria provided, single submitter. Criteria: ACMG Guidelines, 2015. Collection method: clinical testing. Allele origin: unknown.

Revvity Omics, Revvity
Classification: Uncertain significance for Glycogen storage disease, type V. Last evaluated: 2020-02-24. Review status: criteria provided, single submitter. Criteria: ACMG Guidelines, 2015. Collection method: clinical testing. Allele origin: germline.

Literature cited by the submitters: PubMed 17221871 (cited by Myriad Genetics, Inc. and Natera, Inc.); PubMed 29143597 (cited by Myriad Genetics, Inc. and Natera, Inc.).